The following is an entry in ClinVar:

ClinVar aggregate classification (germline): Uncertain significance (1 of 4 stars; one submission).

Conditions:
Cardiovascular phenotype. Identifiers: MedGen CN230736.

Submission:

Ambry Genetics
Classification: Uncertain significance for Cardiovascular phenotype. Last evaluated: 2025-11-17. Review status: criteria provided, single submitter. Criteria: Ambry Variant Classification Scheme 2023. Collection method: clinical testing. Allele origin: germline.
Comment: The p.Y1776C variant (also known as c.5327A>G), located in coding exon 37 of the RYR2 gene, results from an A to G substitution at nucleotide position 5327. The tyrosine at codon 1776 is replaced by cysteine, an amino acid with highly dissimilar properties. This amino acid position is not well conserved in available vertebrate species. In addition, this alteration is predicted to be tolerated by in silico analysis. Based on the available evidence, the clinical significance of this variant remains unclear.

NM_001035.3(RYR2):c.5327A>G (p.Tyr1776Cys)

Gene: RYR2 (ryanodine receptor 2; plus strand). Cytogenetic location: 1q43.
Variant type: single nucleotide variant.
Coding change: c.5327A>G on transcript NM_001035.3 (MANE Select); coding-DNA position 5327, A replaced by G.
Protein change: p.Tyr1776Cys; replaces tyrosine 1776 with cysteine.
Molecular consequence: missense variant.
Genome position (GRCh38, 1-based): chr1:237,614,455, A>G. VCF-style: chr1-237614455-A-G. GRCh37 (hg19) VCF-style: chr1-237777755-A-G.
Other names: short protein forms Y1776C.
Identifiers: ClinVar variation 4614858 (VCV004614858.1).